The following is an entry in ClinVar:

NM_006245.4(PPP2R5D):c.1540C>T (p.Arg514Trp)

Gene: PPP2R5D (protein phosphatase 2 regulatory subunit B'delta; plus strand). Cytogenetic location: 6p21.1.
Variant type: single nucleotide variant.
Coding change: c.1540C>T on transcript NM_006245.4 (MANE Select); coding-DNA position 1540, C replaced by T.
Protein change: p.Arg514Trp; replaces arginine 514 with tryptophan.
Molecular consequence: missense variant.
Genome position (GRCh38, 1-based): chr6:43,010,722, C>T. VCF-style: chr6-43010722-C-T. GRCh37 (hg19) VCF-style: chr6-42978460-C-T.
Other names: c.1087C>T, p.Arg363Trp (NM_001270476.2); c.1444C>T, p.Arg482Trp (NM_180976.3); c.1222C>T, p.Arg408Trp (NM_180977.3); short protein forms R363W, R408W, R482W, R514W.
Identifiers: ClinVar variation 1314097 (VCV001314097.2), dbSNP rs2150283318, ClinGen allele CA364142228.

ClinVar aggregate classification (germline): Uncertain significance (1 of 4 stars; one submission).

gnomAD v4.1: 1 of 1,613,942 alleles (0.000062%); highest among the groups gnomAD compares: Non-Finnish European, 0.000085%; no homozygotes.

Submission:

GeneDx
Classification: Uncertain significance. Last evaluated: 2021-10-11. Review status: criteria provided, single submitter. Criteria: GeneDx Variant Classification Process June 2021. Collection method: clinical testing. Allele origin: germline. Affected: yes.
Comment: Not observed in large population cohorts (Lek et al., 2016); In silico analysis supports that this missense variant has a deleterious effect on protein structure/function; Has not been previously published as pathogenic or benign to our knowledge